The following is an entry in ClinVar:

NM_000384.3(APOB):c.1953C>T (p.Ala651=)

Gene: APOB (apolipoprotein B; minus strand). Cytogenetic location: 2p24.1.
Variant type: single nucleotide variant.
Coding change: c.1953C>T on transcript NM_000384.3 (MANE Select); coding-DNA position 1953, C replaced by T.
Protein change: p.Ala651=; no amino-acid change (alanine 651 retained).
Molecular consequence: synonymous variant.
Genome position (GRCh38, 1-based): chr2:21,027,942, G>A on the plus strand (C>T on the coding strand, the complement: APOB is on the minus strand). VCF-style: chr2-21027942-G-A. GRCh37 (hg19) VCF-style: chr2-21250814-G-A.
Identifiers: ClinVar variation 895847 (VCV000895847.12), dbSNP rs1007149732, ClinGen allele CA43523768.

ClinVar aggregate classification (germline): Conflicting classifications of pathogenicity. Review status: criteria provided, conflicting classifications (1 of 4 stars). 4 submissions from 3 submitters: Uncertain significance (2); Likely benign (2). Last evaluated 2024-08-27.

Conditions:
Familial hypobetalipoproteinemia 1. Also called: APOB-Related Familial Hypobetalipoproteinemia; Hypobetalipoproteinemia, normotriglyceridemic; Acanthocytosis with hypobetalipoproteinemia. Identifiers: MedGen C4551990, MONDO:0014252, OMIM 615558.
Hypercholesterolemia, autosomal dominant, type B (FHCL2). Also called: Hyperlipoproteinemia Type IIb; APOLIPOPROTEIN B-100, FAMILIAL DEFECTIVE; APOLIPOPROTEIN B-100, FAMILIAL LIGAND-DEFECTIVE; HYPERCHOLESTEROLEMIA, FAMILIAL, DUE TO LIGAND-DEFECTIVE APOLIPOPROTEIN B; APOB-Related Familial Hypercholesterolemia, Autosomal Dominant; Familial Hypercholesterolemia Type B. Identifiers: MedGen C1704417, MONDO:0007751, OMIM 144010.
Familial hypercholesterolemia. Also called: Familial hypercholesterolaemia; Familial hypercholesterolemias. Identifiers: MedGen C0020445, MONDO:0005439.

Allele frequency attached by ClinVar (database versions not stated): gnomAD exomes below 0.00001 and 0.00001; gnomAD 0.00003 and 0.00004; TOPMed 0.00004.
gnomAD v4.1: 11 of 1,613,972 alleles (0.00068%); highest among the groups gnomAD compares: Admixed American, 0.012%; no homozygotes.

Submissions (4):

GENinCode PLC
Classification: Likely benign for Familial hypercholesterolemia. Last evaluated: 2024-08-27. Review status: criteria provided, single submitter. Criteria: ACMG Guidelines, 2015. Collection method: clinical testing. Allele origin: germline.
Comment: This is a synonymous (silent) variant that is not predicted by SpliceAI to impact splicing. In addition, it occurs at a nucleotide that is not conserved. Therefore this variant has been classified as Likely Benign (BP4, BP7).

Labcorp Genetics (formerly Invitae), Labcorp
Classification: Likely benign for Familial hypobetalipoproteinemia 1; Hypercholesterolemia, autosomal dominant, type B. Last evaluated: 2024-05-04. Review status: criteria provided, single submitter. Criteria: Invitae Variant Classification Sherloc (09022015). Collection method: clinical testing. Allele origin: germline.

Illumina Laboratory Services, Illumina
Classification: Uncertain significance for Familial hypobetalipoproteinemia 1. Last evaluated: 2017-04-27. Review status: criteria provided, single submitter. Criteria: ICSL Variant Classification Criteria 13 December 2019. Collection method: clinical testing. Allele origin: germline.

Illumina Laboratory Services, Illumina
Classification: Uncertain significance for Hypercholesterolemia, autosomal dominant, type B. Last evaluated: 2017-04-27. Review status: criteria provided, single submitter. Criteria: ICSL Variant Classification Criteria 13 December 2019. Collection method: clinical testing. Allele origin: germline.